The following is an entry in ClinVar:

NM_024753.5(TTC21B):c.1478A>G (p.Gln493Arg)

Gene: TTC21B (tetratricopeptide repeat domain 21B; minus strand). Cytogenetic location: 2q24.3.
Variant type: single nucleotide variant.
Coding change: c.1478A>G on transcript NM_024753.5 (MANE Select); coding-DNA position 1478, A replaced by G.
Protein change: p.Gln493Arg; replaces glutamine 493 with arginine.
Molecular consequence: missense variant.
Genome position (GRCh38, 1-based): chr2:165,924,587, T>C on the plus strand (A>G on the coding strand, the complement: TTC21B is on the minus strand). VCF-style: chr2-165924587-T-C. GRCh37 (hg19) VCF-style: chr2-166781097-T-C.
Other names: short protein forms Q493R.
Identifiers: ClinVar variation 331835 (VCV000331835.15), dbSNP rs748993825, ClinGen allele CA1942114.

ClinVar aggregate classification (germline): Uncertain significance. Review status: criteria provided, multiple submitters, no conflicts (2 of 4 stars). 6 submissions from 5 submitters: Uncertain significance (5). 1 of the submissions does not count toward it. Last evaluated 2026-01-08.

Conditions:
Nephronophthisis. Also called: Juvenile Nephronophthisis. Identifiers: Orphanet 655, MedGen C0687120, MONDO:0019005, HP:0000090.
Jeune thoracic dystrophy. Also called: Short-rib thoracic dysplasia; Infantile thoracic dystrophy; Thoracic pelvic phalangeal dystrophy; Jeune's syndrome; Chondroectodermal dysplasia-like syndrome; Jeune syndrome. Identifiers: Orphanet 474, MedGen C0265275, MONDO:0018770.
Asphyxiating thoracic dystrophy 4 (SRTD4). Also called: SHORT-RIB THORACIC DYSPLASIA 4 WITH OR WITHOUT POLYDACTYLY; SHORT-RIB THORACIC DYSPLASIA 4. Identifiers: Orphanet 474, MedGen C3151185, MONDO:0013441, OMIM 613819.
Nephronophthisis 12 (NPHP12). Identifiers: Orphanet 655, MedGen C3151186, MONDO:0013442, OMIM 613820.
TTC21B-related disorder. Also called: TTC21B-related condition; TTC21B-related disorders.

Allele frequency attached by ClinVar (database versions not stated): gnomAD 0.00001; ExAC 0.00002; gnomAD exomes 0.00002 and 0.00003; TOPMed 0.00002.
gnomAD v4.1: 48 of 1,613,662 alleles (0.003%); highest among the groups gnomAD compares: Non-Finnish European, 0.0036%; no homozygotes.

Submissions (6):

Labcorp Genetics (formerly Invitae), Labcorp
Classification: Uncertain significance for Jeune thoracic dystrophy; Nephronophthisis. Last evaluated: 2026-01-08. Review status: criteria provided, single submitter. Criteria: Invitae Variant Classification Sherloc (09022015). Collection method: clinical testing. Allele origin: germline.
Comment: This sequence change replaces glutamine, which is neutral and polar, with arginine, which is basic and polar, at codon 493 of the TTC21B protein (p.Gln493Arg). This variant is present in population databases (rs748993825, gnomAD 0.004%). This variant has not been reported in the literature in individuals affected with TTC21B-related conditions. ClinVar contains an entry for this variant (Variation ID: 331835). Invitae Evidence Modeling of protein sequence and biophysical properties (such as structural, functional, and spatial information, amino acid conservation, physicochemical variation, residue mobility, and thermodynamic stability) indicates that this missense variant is not expected to disrupt TTC21B protein function with a negative predictive value of 95%. In summary, the available evidence is currently insufficient to determine the role of this variant in disease. Therefore, it has been classified as a Variant of Uncertain Significance.

Blueprint Genetics
Classification: Uncertain significance. Last evaluated: 2024-09-04. Review status: criteria provided, single submitter. Criteria: ACMG Guidelines, 2015. Collection method: clinical testing. Allele origin: germline.

Fulgent Genetics
Classification: Uncertain significance for Asphyxiating thoracic dystrophy 4; Nephronophthisis 12. Last evaluated: 2024-02-21. Review status: criteria provided, single submitter. Criteria: ACMG Guidelines, 2015. Collection method: clinical testing. Allele origin: germline.

Illumina Laboratory Services, Illumina
Classification: Uncertain significance for Nephronophthisis 12. Last evaluated: 2018-01-12. Review status: criteria provided, single submitter. Criteria: ICSL Variant Classification Criteria 13 December 2019. Collection method: clinical testing. Allele origin: germline.

Illumina Laboratory Services, Illumina
Classification: Uncertain significance for Asphyxiating thoracic dystrophy 4. Last evaluated: 2018-01-12. Review status: criteria provided, single submitter. Criteria: ICSL Variant Classification Criteria 13 December 2019. Collection method: clinical testing. Allele origin: germline.

PreventionGenetics, part of Exact Sciences
Classification: Uncertain significance for TTC21B-related condition. Last evaluated: 2024-07-25. Review status: no assertion criteria provided. Collection method: clinical testing. Allele origin: germline. Not counted in ClinVar's aggregate classification.
Comment: The TTC21B c.1478A>G variant is predicted to result in the amino acid substitution p.Gln493Arg. To our knowledge, this variant has not been reported in the literature. This variant is reported in 0.0035% of alleles in individuals of European (Non-Finnish) descent in gnomAD. At this time, the clinical significance of this variant is uncertain due to the absence of conclusive functional and genetic evidence.